The following is an entry in ClinVar:

ClinVar aggregate classification (germline): Benign. Review status: criteria provided, multiple submitters, no conflicts (2 of 4 stars). 2 submissions from 2 submitters: Benign (2). Last evaluated 2018-06-14.

Allele frequency attached by ClinVar (database versions not stated): 1000 Genomes Project 30x 0.62320; 1000 Genomes Project 0.62500; TOPMed 0.66012; gnomAD 0.67757 and 0.68064; gnomAD exomes 0.75891.
gnomAD v4.1: 461,703 of 624,102 alleles (74%); highest among the groups gnomAD compares: Middle Eastern, 81%; 173,372 homozygotes.

Submissions (2):

GeneDx
Classification: Benign. Last evaluated: 2018-06-14. Review status: criteria provided, single submitter. Criteria: GeneDx Variant Classification (06012015). Collection method: clinical testing. Allele origin: germline. Affected: yes.
Comment: This variant is considered likely benign or benign based on one or more of the following criteria: it is a conservative change, it occurs at a poorly conserved position in the protein, it is predicted to be benign by multiple in silico algorithms, and/or has population frequency not consistent with disease.

Breakthrough Genomics
Classification: Benign. Review status: criteria provided, single submitter. Criteria: ACMG Guidelines, 2015. Collection method: not provided. Allele origin: germline. Inheritance: Autosomal recessive inheritance. Affected: yes.

NM_001013703.4(EIF2AK4):c.2687-168C>T

Gene: EIF2AK4 (eukaryotic translation initiation factor 2 alpha kinase 4; plus strand). Cytogenetic location: 15q15.1.
Variant type: single nucleotide variant.
Coding change: c.2687-168C>T on transcript NM_001013703.4 (MANE Select); 168 bases into the intron before coding-DNA position 2687, C replaced by T.
Molecular consequence: intron variant.
Genome position (GRCh38, 1-based): chr15:39,992,601, C>T. VCF-style: chr15-39992601-C-T. GRCh37 (hg19) VCF-style: chr15-40284802-C-T.
Identifiers: ClinVar variation 674668 (VCV000674668.2), dbSNP rs11070241, ClinGen allele CA14098860.
Genomic context (GRCh38, chr15:39,992,601, plus strand): 5'-CACTGTCCCTCCTCTTCAATAGCAAAGACATCCTTGTGTAGAACCGAATGTGTGGCCATA[C>T]GTGACTTATGGTTATTCATTTGGTACAATGCATGCTCTGCTTCCTGTGAGTGGCATAGAC-3'